The following is an entry in ClinVar:

NM_022168.4(IFIH1):c.2330A>G (p.Lys777Arg)

Gene: IFIH1 (interferon induced with helicase C domain 1; minus strand). Cytogenetic location: 2q24.2.
Variant type: single nucleotide variant.
Coding change: c.2330A>G on transcript NM_022168.4 (MANE Select); coding-DNA position 2330, A replaced by G.
Protein change: p.Lys777Arg; replaces lysine 777 with arginine.
Molecular consequence: missense variant.
Genome position (GRCh38, 1-based): chr2:162,273,919, T>C on the plus strand (A>G on the coding strand, the complement: IFIH1 is on the minus strand). VCF-style: chr2-162273919-T-C. GRCh37 (hg19) VCF-style: chr2-163130429-T-C.
Other names: short protein forms K777R.
Identifiers: ClinVar variation 1511574 (VCV001511574.8), dbSNP rs1286741340, ClinGen allele CA348996023.

ClinVar aggregate classification (germline): Uncertain significance (1 of 4 stars; one submission).

Conditions:
Singleton-Merten syndrome 1 (SGMRT1). Also called: Widened medullary cavities of bone, aortic calcification, abnormal dentition, and muscular weakness; Syndrome of widened medullary cavities of the metacarpals and phalanges, aortic calcification and abnormal dentition. Identifiers: Orphanet 85191, MedGen C4225427, MONDO:0024535, OMIM 182250.
Aicardi-Goutieres syndrome 7 (AGS7). Identifiers: Orphanet 51, MedGen C3888244, MONDO:0014367, OMIM 615846.

Allele frequency attached by ClinVar (database versions not stated): gnomAD exomes 0.00001 and 0.00003; gnomAD 0.00001; TOPMed 0.00002.
gnomAD v4.1: 21 of 1,606,648 alleles (0.0013%); highest among the groups gnomAD compares: Non-Finnish European, 0.0017%; no homozygotes.

Submission:

Labcorp Genetics (formerly Invitae), Labcorp
Classification: Uncertain significance for Aicardi-Goutieres syndrome 7; Singleton-Merten syndrome 1. Last evaluated: 2025-08-04. Review status: criteria provided, single submitter. Criteria: Invitae Variant Classification Sherloc (09022015). Collection method: clinical testing. Allele origin: germline.
Comment: This sequence change replaces lysine, which is basic and polar, with arginine, which is basic and polar, at codon 777 of the IFIH1 protein (p.Lys777Arg). This variant is present in population databases (no rsID available, gnomAD 0.002%). This variant has not been reported in the literature in individuals affected with IFIH1-related conditions. ClinVar contains an entry for this variant (Variation ID: 1511574). Invitae Evidence Modeling of protein sequence and biophysical properties (such as structural, functional, and spatial information, amino acid conservation, physicochemical variation, residue mobility, and thermodynamic stability) has been performed for this missense variant. However, the output from this modeling did not meet the statistical confidence thresholds required to predict the impact of this variant on IFIH1 protein function. In summary, the available evidence is currently insufficient to determine the role of this variant in disease. Therefore, it has been classified as a Variant of Uncertain Significance.